The following is an entry in ClinVar:

ClinVar aggregate classification (germline): Uncertain significance. Review status: criteria provided, multiple submitters, no conflicts (2 of 4 stars). 2 submissions from 2 submitters: Uncertain significance (2). Last evaluated 2023-01-18.

Conditions:
Inborn genetic diseases. Identifiers: MedGen C0950123, MeSH D030342.

Allele frequency attached by ClinVar (database versions not stated): gnomAD exomes 0.00002 and 0.00004; ExAC 0.00003; gnomAD 0.00003 and 0.00004; TOPMed 0.00004; ESP Exome Variant Server 0.00015.
gnomAD v4.1: 41 of 1,612,478 alleles (0.0025%); highest among the groups gnomAD compares: Non-Finnish European, 0.0032%; no homozygotes.

Submissions (2):

Ambry Genetics
Classification: Uncertain significance for Inborn genetic diseases. Last evaluated: 2023-01-18. Review status: criteria provided, single submitter. Criteria: Ambry Variant Classification Scheme 2023. Collection method: clinical testing. Allele origin: germline.

GeneDx
Classification: Uncertain significance. Last evaluated: 2021-07-13. Review status: criteria provided, single submitter. Criteria: GeneDx Variant Classification Process June 2021. Collection method: clinical testing. Allele origin: germline. Affected: yes.
Comment: Has not been previously published as pathogenic or benign to our knowledge; In silico analysis supports that this missense variant has a deleterious effect on protein structure/function; This variant is associated with the following publications: (PMID: 27535533)

NM_052867.4(NALCN):c.1937T>C (p.Ile646Thr)

Gene: NALCN (sodium leak channel, non-selective; minus strand). Cytogenetic location: 13q33.1.
Variant type: single nucleotide variant.
Coding change: c.1937T>C on transcript NM_052867.4 (MANE Select); coding-DNA position 1937, T replaced by C.
Protein change: p.Ile646Thr; replaces isoleucine 646 with threonine.
Molecular consequence: missense variant.
Genome position (GRCh38, 1-based): chr13:101,144,799, A>G on the plus strand (T>C on the coding strand, the complement: NALCN is on the minus strand). VCF-style: chr13-101144799-A-G. GRCh37 (hg19) VCF-style: chr13-101797150-A-G.
Other names: c.1937T>C, p.Ile646Thr (NM_001350748.2, NM_001350749.2); c.1850T>C, p.Ile617Thr (NM_001350750.2, NM_001350751.2); short protein forms I617T, I646T.
Identifiers: ClinVar variation 1253997 (VCV001253997.4), dbSNP rs141507135, ClinGen allele CA7036020.